The following is an entry in ClinVar:

NM_000815.5(GABRD):c.1003G>A (p.Ala335Thr)

Gene: GABRD (gamma-aminobutyric acid type A receptor subunit delta; plus strand). Cytogenetic location: 1p36.33.
Variant type: single nucleotide variant.
Coding change: c.1003G>A on transcript NM_000815.5 (MANE Select); coding-DNA position 1003, G replaced by A.
Protein change: p.Ala335Thr; replaces alanine 335 with threonine.
Molecular consequence: missense variant.
Genome position (GRCh38, 1-based): chr1:2,029,706, G>A. VCF-style: chr1-2029706-G-A. GRCh37 (hg19) VCF-style: chr1-1961145-G-A.
Other names: short protein forms A335T.
Identifiers: ClinVar variation 947542 (VCV000947542.10), dbSNP rs758908317, ClinGen allele CA534850.

ClinVar aggregate classification (germline): Conflicting classifications of pathogenicity. Review status: criteria provided, conflicting classifications (1 of 4 stars). 2 submissions from 2 submitters: Uncertain significance (1); Likely benign (1). Last evaluated 2025-02-16.

Conditions:
Idiopathic generalized epilepsy. Also called: Generalised epilepsy; EIG. Identifiers: MedGen C0270850, MONDO:0005579, OMIM 600669.

Allele frequency attached by ClinVar (database versions not stated): ExAC 0.00001; gnomAD 0.00001; gnomAD exomes 0.00001; TOPMed 0.00001.
gnomAD v4.1: 9 of 1,613,354 alleles (0.00056%); highest among the groups gnomAD compares: Admixed American, 0.0067%; no homozygotes.

Submissions (2):

Laboratory of Genetics, Children's Clinical University Hospital Latvia
Classification: Likely benign. Last evaluated: 2025-02-16. Review status: criteria provided, single submitter. Criteria: ACMG Guidelines, 2015. Collection method: clinical testing. Allele origin: germline. Affected: yes.

Labcorp Genetics (formerly Invitae), Labcorp
Classification: Uncertain significance for Idiopathic generalized epilepsy. Last evaluated: 2024-10-31. Review status: criteria provided, single submitter. Criteria: Invitae Variant Classification Sherloc (09022015). Collection method: clinical testing. Allele origin: germline.
Comment: This sequence change replaces alanine, which is neutral and non-polar, with threonine, which is neutral and polar, at codon 335 of the GABRD protein (p.Ala335Thr). This variant is present in population databases (rs758908317, gnomAD 0.006%). This variant has not been reported in the literature in individuals affected with GABRD-related conditions. ClinVar contains an entry for this variant (Variation ID: 947542). An algorithm developed to predict the effect of missense changes on protein structure and function (PolyPhen-2) suggests that this variant is likely to be disruptive. In summary, the available evidence is currently insufficient to determine the role of this variant in disease. Therefore, it has been classified as a Variant of Uncertain Significance.